The following is an entry in ClinVar:

NM_005449.5(FCMR):c.1070C>T (p.Ala357Val)

Genes: FCMR (Fc mu receptor; minus strand), LOC126805991 (P300/CBP strongly-dependent group 1 enhancer GRCh37_chr1:207078063-207079262; plus strand). Cytogenetic location: 1q32.1.
Variant type: single nucleotide variant.
Coding change: c.1070C>T on transcript NM_005449.5 (MANE Select); coding-DNA position 1070, C replaced by T.
Protein change: p.Ala357Val; replaces alanine 357 with valine.
Molecular consequence: missense variant. On other transcripts: 3 prime UTR variant (5).
Genome position (GRCh38, 1-based): chr1:206,905,122, G>A on the plus strand (C>T on the coding strand, the complement: FCMR is on the minus strand). VCF-style: chr1-206905122-G-A. GRCh37 (hg19) VCF-style: chr1-207078467-G-A.
Other names: c.734C>T, p.Ala245Val (NM_001142473.2, NM_001405887.1); c.*18C>T (NM_001193338.2, NM_001405867.1, NM_001405868.1 and 2 more transcripts); c.1163C>T, p.Ala388Val (NM_001405862.1, NM_001405863.1); c.929C>T, p.Ala310Val (NM_001405864.1, NM_001405865.1); c.926C>T, p.Ala309Val (NM_001405866.1); c.1070C>T, p.Ala357Val (NM_001405871.1); c.827C>T, p.Ala276Val (NM_001405886.1); c.620C>T, p.Ala207Val (NM_001405888.1); and 2 more; short protein forms A198V, A201V, A207V, A245V, A276V, A309V, A310V, A357V.
Identifiers: ClinVar variation 2639865 (VCV002639865.24), dbSNP rs41304091, ClinGen allele CA1364590.

ClinVar aggregate classification (germline): Benign (1 of 4 stars; one submission).

Allele frequency attached by ClinVar (database versions not stated): 1000 Genomes Project 0.00160; 1000 Genomes Project 30x 0.00187; TOPMed 0.00729; gnomAD 0.00770; ESP Exome Variant Server 0.01107.
gnomAD v4.1: 17,374 of 1,614,120 alleles (1.1%); highest among the groups gnomAD compares: Non-Finnish European, 1.4%; 135 homozygotes.

Submission:

CeGaT Center for Human Genetics Tuebingen
Classification: Benign. Last evaluated: 2023-01-01. Review status: criteria provided, single submitter. Criteria: CeGaT Center For Human Genetics Tuebingen Variant Classification Criteria Version 2. Collection method: clinical testing. Allele origin: germline. Affected: yes. Observed: 1 variant allele.
Comment: FCMR: BP4, BS1, BS2